The following is an entry in ClinVar:

NM_199420.4(POLQ):c.6805C>A (p.Pro2269Thr)

Gene: POLQ (DNA polymerase theta; minus strand). Cytogenetic location: 3q13.33.
Variant type: single nucleotide variant.
Coding change: c.6805C>A on transcript NM_199420.4 (MANE Select); coding-DNA position 6805, C replaced by A.
Protein change: p.Pro2269Thr; replaces proline 2269 with threonine.
Molecular consequence: missense variant.
Genome position (GRCh38, 1-based): chr3:121,468,345, G>T on the plus strand (C>A on the coding strand, the complement: POLQ is on the minus strand). VCF-style: chr3-121468345-G-T. GRCh37 (hg19) VCF-style: chr3-121187192-G-T.
Other names: short protein forms P2269T.
Identifiers: ClinVar variation 1755538 (VCV001755538.2), dbSNP rs2546770706, ClinGen allele CA354111363.

ClinVar aggregate classification (germline): Uncertain significance (1 of 4 stars; one submission).

Submission:

Ambry Genetics
Classification: Uncertain significance. Last evaluated: 2021-12-29. Review status: criteria provided, single submitter. Criteria: Ambry Variant Classification Scheme 2023. Collection method: clinical testing. Allele origin: germline.
Comment: The p.P2269T variant (also known as c.6805C>A), located in coding exon 23 of the POLQ gene, results from a C to A substitution at nucleotide position 6805. The proline at codon 2269 is replaced by threonine, an amino acid with highly similar properties. This amino acid position is conserved. In addition, this alteration is predicted to be tolerated by in silico analysis. Since supporting evidence is limited at this time, the clinical significance of this alteration remains unclear.